The following is an entry in ClinVar:

NM_022132.5(MCCC2):c.1127T>C (p.Leu376Pro)

Gene: MCCC2 (methylcrotonyl-CoA carboxylase subunit 2; plus strand). Cytogenetic location: 5q13.2.
Variant type: single nucleotide variant.
Coding change: c.1127T>C on transcript NM_022132.5 (MANE Select); coding-DNA position 1127, T replaced by C.
Protein change: p.Leu376Pro; replaces leucine 376 with proline.
Molecular consequence: missense variant.
Genome position (GRCh38, 1-based): chr5:71,643,873, T>C. VCF-style: chr5-71643873-T-C. GRCh37 (hg19) VCF-style: chr5-70939700-T-C.
Other names: c.1013T>C, p.Leu338Pro (NM_001363147.1); short protein forms L338P, L376P.
Identifiers: ClinVar variation 2157342 (VCV002157342.4), dbSNP rs1302216206, ClinGen allele CA359993452.

ClinVar aggregate classification (germline): Likely pathogenic (1 of 4 stars; one submission).

Conditions:
3-methylcrotonyl-CoA carboxylase 2 deficiency. Also called: 3 alpha methylcrotonyl-CoA carboxylase 2 deficiency; 3 alpha methylcrotonylglycinuria 2; MCC 2 deficiency; Methylcrotonylglycinuria type 2; METHYLCROTONYLGLYCINURIA, TYPE II. Identifiers: Orphanet 6, MedGen C1859499, MONDO:0008862, OMIM 210210.

Allele frequency attached by ClinVar (database versions not stated): TOPMed below 0.00001; gnomAD 0.00001; gnomAD exomes 0.00001.
gnomAD v4.1: 13 of 1,614,068 alleles (0.00081%); highest among the groups gnomAD compares: Non-Finnish European, 0.0011%; no homozygotes.

Submission:

Labcorp Genetics (formerly Invitae), Labcorp
Classification: Likely pathogenic for 3-methylcrotonyl-CoA carboxylase 2 deficiency. Last evaluated: 2023-01-19. Review status: criteria provided, single submitter. Criteria: Invitae Variant Classification Sherloc (09022015). Collection method: clinical testing. Allele origin: germline.
Comment: This sequence change replaces leucine, which is neutral and non-polar, with proline, which is neutral and non-polar, at codon 376 of the MCCC2 protein (p.Leu376Pro). In summary, the currently available evidence indicates that the variant is pathogenic, but additional data are needed to prove that conclusively. Therefore, this variant has been classified as Likely Pathogenic. Advanced modeling of protein sequence and biophysical properties (such as structural, functional, and spatial information, amino acid conservation, physicochemical variation, residue mobility, and thermodynamic stability) performed at Invitae indicates that this missense variant is expected to disrupt MCCC2 protein function. This missense change has been observed in individual(s) with MCCC2-related conditions (Invitae). This variant is present in population databases (no rsID available, gnomAD 0.0009%).